The following is an entry in ClinVar:

ClinVar aggregate classification (germline): Uncertain significance (1 of 4 stars; one submission).

Conditions:
Epidermolysis bullosa simplex with nail dystrophy (EBS5D). Identifiers: MedGen C4225309, MONDO:0014661, OMIM 616487.
Epidermolysis bullosa simplex, Ogna type (EBS5A). Also called: Pidermolysis bullosa simplex 5A, Ogna type; EPIDERMOLYSIS BULLOSA SIMPLEX 5A, OGNA TYPE. Identifiers: Orphanet 79401, MedGen C0432317, MONDO:0007555, OMIM 131950.
Autosomal recessive limb-girdle muscular dystrophy type 2Q (LGMDR17). Also called: MUSCULAR DYSTROPHY, LIMB-GIRDLE, AUTOSOMAL RECESSIVE 17. Identifiers: Orphanet 254361, MedGen C3150989, MONDO:0013390, OMIM 613723.
Epidermolysis bullosa simplex 5B, with muscular dystrophy (EBS5B). Also called: EPIDERMOLYSIS BULLOSA SIMPLEX AND LIMB-GIRDLE MUSCULAR DYSTROPHY; Epidermolysis bullosa simplex with muscular dystrophy. Identifiers: Orphanet 257, MedGen C2931072, MONDO:0009181, OMIM 226670.
Epidermolysis bullosa simplex 5C, with pyloric atresia (EBS5C). Also called: PLEC-Related Epidermolysis Bullosa with Pyloric Atresia; Epidermolysis bullosa simplex with pyloric atresia; PLEC1-Related Epidermolysis Bullosa with Pyloric Atresia. Identifiers: Orphanet 158684, MedGen C2677349, MONDO:0012807, OMIM 612138.

Allele frequency attached by ClinVar (database versions not stated): gnomAD exomes below 0.00001; ExAC 0.00002.
gnomAD v4.1: 1 of 1,595,184 alleles (0.000063%); highest among the groups gnomAD compares: Admixed American, 0.0017%; no homozygotes.

Submission:

Labcorp Genetics (formerly Invitae), Labcorp
Classification: Uncertain significance for Autosomal recessive limb-girdle muscular dystrophy type 2Q; Epidermolysis bullosa simplex, Ogna type; Epidermolysis bullosa simplex with nail dystrophy; Epidermolysis bullosa simplex 5C, with pyloric atresia; Epidermolysis bullosa simplex 5B, with muscular dystrophy. Last evaluated: 2023-03-08. Review status: criteria provided, single submitter. Criteria: Invitae Variant Classification Sherloc (09022015). Collection method: clinical testing. Allele origin: germline.
Comment: This variant has not been reported in the literature in individuals affected with PLEC-related conditions. This variant is present in population databases (rs782210498, gnomAD 0.003%). This sequence change replaces alanine, which is neutral and non-polar, with proline, which is neutral and non-polar, at codon 524 of the PLEC protein (p.Ala524Pro). Experimental studies and prediction algorithms are not available or were not evaluated, and the functional significance of this variant is currently unknown. In summary, the available evidence is currently insufficient to determine the role of this variant in disease. Therefore, it has been classified as a Variant of Uncertain Significance.

NM_201384.3(PLEC):c.1489G>C (p.Ala497Pro)

Gene: PLEC (plectin; minus strand). Cytogenetic location: 8q24.3.
Variant type: single nucleotide variant.
Coding change: c.1489G>C on transcript NM_201384.3 (MANE Select); coding-DNA position 1489, G replaced by C.
Protein change: p.Ala497Pro; replaces alanine 497 with proline.
Molecular consequence: missense variant.
Genome position (GRCh38, 1-based): chr8:143,933,041, C>G on the plus strand (G>C on the coding strand, the complement: PLEC is on the minus strand). VCF-style: chr8-143933041-C-G. GRCh37 (hg19) VCF-style: chr8-145007209-C-G.
Other names: c.1570G>C, p.Ala524Pro (NM_000445.5, NM_001410941.1); c.1447G>C, p.Ala483Pro (NM_201378.4); c.1423G>C, p.Ala475Pro (NM_201379.3); c.1900G>C, p.Ala634Pro (NM_201380.4); c.1393G>C, p.Ala465Pro (NM_201381.3); c.1489G>C, p.Ala497Pro (NM_201382.4); c.1501G>C, p.Ala501Pro (NM_201383.3); short protein forms A501P, A465P, A475P, A483P, A497P, A524P, A634P.
Identifiers: ClinVar variation 2939559 (VCV002939559.3), dbSNP rs782210498, ClinGen allele CA4927942.
Genomic context (GRCh38, chr8:143,933,041, plus strand): 5'-GCTCGGGGCGCCTCTGCACACTCTGCAGAGTCACCTGGGCCACCTGGGTTGCAGGGGCCG[C>G]CACGCCTGCCTTCAGCCGTAGGTTGTACTCGGTGCGGATGGCTACCAGGCGCTCGTGCAG-3'
Protein context (NP_958786.1, residues 487-507): EYNLRLKAGV[Ala497Pro]APATQVAQVT